The following is an entry in ClinVar:

NM_002637.4(PHKA1):c.2273C>A (p.Ser758Tyr)

Gene: PHKA1 (phosphorylase kinase regulatory subunit alpha 1; minus strand). Cytogenetic location: Xq13.1.
Variant type: single nucleotide variant.
Coding change: c.2273C>A on transcript NM_002637.4 (MANE Select); coding-DNA position 2273, C replaced by A.
Protein change: p.Ser758Tyr; replaces serine 758 with tyrosine.
Molecular consequence: missense variant.
Genome position (GRCh38, 1-based): chrX:72,618,806, G>T on the plus strand (C>A on the coding strand, the complement: PHKA1 is on the minus strand). VCF-style: chrX-72618806-G-T. GRCh37 (hg19) VCF-style: chrX-71838656-G-T.
Other names: NC_000023.10:g.71838656G>T; c.2273C>A, p.Ser758Tyr (NM_001122670.2, NM_001431068.1, NM_001440787.1); c.2096C>A, p.Ser699Tyr (NM_001172436.2, NM_001440788.1); short protein forms S758Y, S699Y.
Identifiers: ClinVar variation 4497786 (VCV004497786.3).

ClinVar aggregate classification (germline): Uncertain significance (1 of 4 stars; one submission).

Submissions (2):

Dasa
Classification: Uncertain significance. Last evaluated: 2025-10-01. Review status: criteria provided, single submitter. Criteria: DASA Assertion Criteria. Collection method: clinical testing. Allele origin: germline.
Comment: NM_002637.4(PHKA1):c.2273C>A (p.Ser758Tyr) is a missense variant that results in the substitution of serine with tyrosine. This variant is absent from population databases. The currently available literature and clinical evidence are not sufficient to establish a definitive association between this variant and the reported condition. Therefore, this variant is classified as a variant of uncertain significance.

Dr. Peter K. Rogan Lab, Western University
No classification provided (evidence only). Condition: Nonpapillary renal cell carcinoma. Review status: no classification provided. Collection method: in vitro. Allele origin: not applicable. Functional consequence: retained intron. Not counted in ClinVar's aggregate classification.